The following is an entry in ClinVar:

NM_000535.7(PMS2):c.354-9C>T

Gene: PMS2 (PMS1 homolog 2, mismatch repair system component; minus strand). Cytogenetic location: 7p22.1.
Variant type: single nucleotide variant.
Coding change: c.354-9C>T on transcript NM_000535.7 (MANE Select); 9 bases into the intron before coding-DNA position 354, C replaced by T.
Molecular consequence: intron variant. On other transcripts: synonymous variant (1).
Genome position (GRCh38, 1-based): chr7:6,002,645, G>A on the plus strand (C>T on the coding strand, the complement: PMS2 is on the minus strand). VCF-style: chr7-6002645-G-A. GRCh37 (hg19) VCF-style: chr7-6042276-G-A.
Other names: c.36C>T, p.Phe12= (NM_001322015.2); c.36-9C>T (NM_001322008.2, NM_001322007.2); c.-52-9C>T (NM_001322010.2, NM_001322004.2, NM_001322013.2 and 3 more transcripts); c.-531-9C>T (NM_001322012.2, NM_001322011.2); c.354-9C>T (NM_001322006.2, NM_001322014.2).
Identifiers: ClinVar variation 1140825 (VCV001140825.10), dbSNP rs2128819584, ClinGen allele CA2499218981.
Genomic context (GRCh38, chr7:6,002,645, plus strand): 5'-CAGTCGAGTTCCAACCTTCGCCGATGCGTGGCAGGTAGAAATGGTGACATCGCTGTGAGA[G>A]AATACCAGGCATGGTGTGTTCAGTGAGAGACCCATGATGTTGGGCACTGACTACTCTTTT-3'

ClinVar aggregate classification (germline): Likely benign. Review status: criteria provided, multiple submitters, no conflicts (2 of 4 stars). 2 submissions from 2 submitters: Likely benign (2). Last evaluated 2025-07-06.

Conditions:
Lynch syndrome 4 (LYNCH4). Also called: Colorectal cancer, hereditary nonpolyposis, type 4; Hereditary non-polyposis colorectal cancer, type 4. Identifiers: Orphanet 144, MedGen C1838333, MONDO:0013699, OMIM 614337. Disease mechanism: loss of function.
Hereditary nonpolyposis colorectal neoplasms. Identifiers: MedGen C0009405, MeSH D003123.

Submissions (2):

Labcorp Genetics (formerly Invitae), Labcorp
Classification: Likely benign for Hereditary nonpolyposis colorectal neoplasms. Last evaluated: 2025-07-06. Review status: criteria provided, single submitter. Criteria: Invitae Variant Classification Sherloc (09022015). Collection method: clinical testing. Allele origin: germline.

Myriad Genetics, Inc.
Classification: Likely benign for Lynch syndrome 4. Last evaluated: 2025-01-24. Review status: criteria provided, single submitter. Criteria: Myriad Autosomal Dominant, Autosomal Recessive and X-Linked Classification Criteria (2023). Collection method: clinical testing. Allele origin: unknown.
Comment: This variant is considered likely benign. This variant is intronic and is not expected to impact mRNA splicing.